The following is an entry in ClinVar:

NM_000214.3(JAG1):c.204C>T (p.Arg68=)

Gene: JAG1 (jagged canonical Notch ligand 1; minus strand). Cytogenetic location: 20p12.2.
Variant type: single nucleotide variant.
Coding change: c.204C>T on transcript NM_000214.3 (MANE Select); coding-DNA position 204, C replaced by T.
Protein change: p.Arg68=; no amino-acid change (arginine 68 retained).
Molecular consequence: synonymous variant.
Genome position (GRCh38, 1-based): chr20:10,672,884, G>A on the plus strand (C>T on the coding strand, the complement: JAG1 is on the minus strand). VCF-style: chr20-10672884-G-A. GRCh37 (hg19) VCF-style: chr20-10653532-G-A.
Other names: c.204C>T, p.Arg68= (LRG_1191t1); c.204C>T (NM_000214.2).
Identifiers: ClinVar variation 290437 (VCV000290437.17), dbSNP rs565407240, ClinGen allele CA9765195.

ClinVar aggregate classification (germline): Conflicting classifications of pathogenicity. Review status: criteria provided, conflicting classifications (1 of 4 stars). 5 submissions from 5 submitters: Uncertain significance (1); Likely benign (3). 1 of the submissions does not count toward it. Last evaluated 2026-01-23.

Conditions:
Alagille syndrome due to a JAG1 point mutation. Also called: HEPATIC DUCTULAR HYPOPLASIA, SYNDROMATIC; JAG1-Related Alagille Syndrome; Alagille Syndrome 1. Identifiers: Orphanet 261619, Orphanet 52, MedGen C1956125, MONDO:0016862, OMIM 118450.
Cardiovascular phenotype. Identifiers: MedGen CN230736.
JAG1-related disorder. Also called: JAG1-related condition; JAG1-related disorders.

Allele frequency attached by ClinVar (database versions not stated): ExAC 0.00001; gnomAD exomes 0.00001; gnomAD 0.00005 and 0.00006; TOPMed 0.00010; 1000 Genomes Project 30x 0.00016; 1000 Genomes Project 0.00020.
gnomAD v4.1: 12 of 1,613,290 alleles (0.00074%); highest among the groups gnomAD compares: Admixed American, 0.018%; no homozygotes.

Submissions (5):

Labcorp Genetics (formerly Invitae), Labcorp
Classification: Likely benign for Alagille syndrome due to a JAG1 point mutation. Last evaluated: 2026-01-23. Review status: criteria provided, single submitter. Criteria: Invitae Variant Classification Sherloc (09022015). Collection method: clinical testing. Allele origin: germline.

Ambry Genetics
Classification: Likely benign for Cardiovascular phenotype. Last evaluated: 2023-10-19. Review status: criteria provided, single submitter. Criteria: Ambry Variant Classification Scheme 2023. Collection method: clinical testing. Allele origin: germline.

Blueprint Genetics
Classification: Likely benign. Last evaluated: 2022-04-11. Review status: criteria provided, single submitter. Criteria: ACMG Guidelines, 2015. Collection method: clinical testing. Allele origin: germline.

Eurofins Ntd Llc (ga)
Classification: Uncertain significance. Last evaluated: 2016-08-16. Review status: criteria provided, single submitter. Criteria: EGL Classification Definitions 2015. Collection method: clinical testing. Allele origin: germline. Observed: 1 variant allele, 1 heterozygote.

PreventionGenetics, part of Exact Sciences
Classification: Likely benign for JAG1-related condition. Last evaluated: 2023-11-22. Review status: no assertion criteria provided. Collection method: clinical testing. Allele origin: germline. Not counted in ClinVar's aggregate classification.
Comment: This variant is classified as likely benign based on ACMG/AMP sequence variant interpretation guidelines (Richards et al. 2015 PMID: 25741868, with internal and published modifications).